The following is an entry in ClinVar:

ClinVar aggregate classification (germline): Likely benign (0 of 4 stars; one submission).

Conditions:
PROX1-related disorder. Also called: PROX1-related condition.

Allele frequency attached by ClinVar (database versions not stated): ESP Exome Variant Server 0.00023; gnomAD 0.00050; ExAC 0.00053; 1000 Genomes Project 0.00080; TOPMed 0.00090; 1000 Genomes Project 30x 0.00094.
gnomAD v4.1: 787 of 1,614,082 alleles (0.049%); highest among the groups gnomAD compares: Middle Eastern, 0.49%; 2 homozygotes.

Submission:

PreventionGenetics, part of Exact Sciences
Classification: Likely benign for PROX1-related condition. Last evaluated: 2023-04-11. Review status: no assertion criteria provided. Collection method: clinical testing. Allele origin: germline.
Comment: This variant is classified as likely benign based on ACMG/AMP sequence variant interpretation guidelines (Richards et al. 2015 PMID: 25741868, with internal and published modifications).

NM_001270616.2(PROX1):c.1007A>C (p.His336Pro)

Gene: PROX1 (prospero homeobox 1; plus strand). Cytogenetic location: 1q32.3.
Variant type: single nucleotide variant.
Coding change: c.1007A>C on transcript NM_001270616.2 (MANE Select); coding-DNA position 1007, A replaced by C.
Protein change: p.His336Pro; replaces histidine 336 with proline.
Molecular consequence: missense variant.
Genome position (GRCh38, 1-based): chr1:213,997,542, A>C. VCF-style: chr1-213997542-A-C. GRCh37 (hg19) VCF-style: chr1-214170885-A-C.
Other names: c.1007A>C, p.His336Pro (NM_002763.5); short protein forms H336P.
Identifiers: ClinVar variation 3041802 (VCV003041802.2), dbSNP rs144228107, ClinGen allele CA1387946.